The following is an entry in ClinVar:

NM_001145809.2(MYH14):c.5961-14T>C

Gene: MYH14 (myosin heavy chain 14; plus strand). Cytogenetic location: 19q13.33.
Variant type: single nucleotide variant.
Coding change: c.5961-14T>C on transcript NM_001145809.2 (MANE Select); 14 bases into the intron before coding-DNA position 5961, T replaced by C.
Molecular consequence: intron variant.
Genome position (GRCh38, 1-based): chr19:50,309,626, T>C. VCF-style: chr19-50309626-T-C. GRCh37 (hg19) VCF-style: chr19-50812883-T-C.
Other names: c.5862-14T>C (NM_001077186.2); c.5838-14T>C (NM_024729.4).
Identifiers: ClinVar variation 227581 (VCV000227581.4), dbSNP rs757255560, ClinGen allele CA9593965.

ClinVar aggregate classification (germline): Likely benign (1 of 4 stars; one submission).

Allele frequency attached by ClinVar (database versions not stated): gnomAD below 0.00001 and 0.00001; gnomAD exomes below 0.00001 and 0.00002; ExAC 0.00001.
gnomAD v4.1: 25 of 1,542,816 alleles (0.0016%); highest among the groups gnomAD compares: Non-Finnish European, 0.0019%; no homozygotes.

Submission:

Laboratory for Molecular Medicine, Mass General Brigham Personalized Medicine
Classification: Likely benign. Last evaluated: 2016-02-25. Review status: criteria provided, single submitter. Criteria: LMM Criteria. Collection method: clinical testing. Allele origin: germline. Observed: 1 variant allele.
Comment: c.5961-14T>C in intron 42 of MYH14: This variant is not expected to have clinica l significance because a T>C change at this position does not diverge from the s plice consensus sequence and is therefore unlikely to impact splicing. It has be en identified in 1/5712 African chromosomes by the Exome Aggregation Consortium (ExAC; dbSNP rs757255560).